The following is an entry in ClinVar:

NM_153240.5(NPHP3):c.1360G>A (p.Gly454Ser)

Genes: NPHP3 (nephrocystin 3; minus strand), NPHP3-ACAD11 (NPHP3-ACAD11 readthrough (NMD candidate); minus strand). Cytogenetic location: 3q22.1.
Variant type: single nucleotide variant.
Coding change: c.1360G>A on transcript NM_153240.5 (MANE Select); coding-DNA position 1360, G replaced by A.
Protein change: p.Gly454Ser; replaces glycine 454 with serine.
Molecular consequence: missense variant. On other transcripts: non-coding transcript variant (1).
Genome position (GRCh38, 1-based): chr3:132,704,362, C>T on the plus strand (G>A on the coding strand, the complement: NPHP3 is on the minus strand). VCF-style: chr3-132704362-C-T. GRCh37 (hg19) VCF-style: chr3-132423206-C-T.
Other names: short protein forms G454S.
Identifiers: ClinVar variation 1907735 (VCV001907735.2), dbSNP rs1939692373, ClinGen allele CA354584767.

ClinVar aggregate classification (germline): Uncertain significance (1 of 4 stars; one submission).

Conditions:
Nephronophthisis. Also called: Juvenile Nephronophthisis. Identifiers: Orphanet 655, MedGen C0687120, MONDO:0019005, HP:0000090.

Allele frequency attached by ClinVar (database versions not stated): gnomAD exomes below 0.00001.
gnomAD v4.1: 2 of 1,613,884 alleles (0.00012%); highest among the groups gnomAD compares: African/African-American, 0.0027%; no homozygotes.

Submission:

Labcorp Genetics (formerly Invitae), Labcorp
Classification: Uncertain significance for Nephronophthisis. Last evaluated: 2022-03-29. Review status: criteria provided, single submitter. Criteria: Invitae Variant Classification Sherloc (09022015). Collection method: clinical testing. Allele origin: germline.
Comment: This sequence change replaces glycine, which is neutral and non-polar, with serine, which is neutral and polar, at codon 454 of the NPHP3 protein (p.Gly454Ser). This variant is not present in population databases (gnomAD no frequency). This variant has not been reported in the literature in individuals affected with NPHP3-related conditions. Algorithms developed to predict the effect of missense changes on protein structure and function are either unavailable or do not agree on the potential impact of this missense change (SIFT: "Tolerated"; PolyPhen-2: "Possibly Damaging"; Align-GVGD: "Class C0"). In summary, the available evidence is currently insufficient to determine the role of this variant in disease. Therefore, it has been classified as a Variant of Uncertain Significance.